The following is an entry in ClinVar:

ClinVar aggregate classification (germline): Conflicting classifications of pathogenicity. Review status: criteria provided, conflicting classifications (1 of 4 stars). 11 submissions from 11 submitters: Uncertain significance (8); Likely benign (2). 1 of the submissions does not count toward it. Last evaluated 2026-01-21.

Conditions:
Hereditary cancer-predisposing syndrome. Also called: Neoplastic Syndromes, Hereditary; Hereditary Cancer Syndrome; Tumor predisposition; Hereditary neoplastic syndrome. Identifiers: Orphanet 140162, MedGen C0027672, MeSH D009386, MONDO:0015356.
CHEK2-related cancer predisposition (TPDS4). Also called: TUMOR PREDISPOSITION SYNDROME 4; CANCER PREDISPOSITION SYNDROME, CHEK2-RELATED; CHEK2-related cancer susceptibility. Identifiers: Orphanet 524, MedGen C5882668, MONDO:0700271, OMIM 609265.
Familial cancer of breast. Also called: Hereditary breast cancer; hereditary breast carcinoma; BREAST CANCER, FAMILIAL. Identifiers: Orphanet 227535, MedGen C0346153, MONDO:0016419, OMIM 114480. Disease mechanism: loss of function.

Allele frequency attached by ClinVar (database versions not stated): gnomAD 0.00001 and 0.00003; gnomAD exomes 0.00001 and 0.00002; ExAC 0.00002.
gnomAD v4.1: 19 of 1,594,830 alleles (0.0012%); highest among the groups gnomAD compares: Non-Finnish European, 0.00017%; no homozygotes.

Submissions (11):

Labcorp Genetics (formerly Invitae), Labcorp
Classification: Uncertain significance for Familial cancer of breast. Last evaluated: 2026-01-21. Review status: criteria provided, single submitter. Criteria: Invitae Variant Classification Sherloc (09022015). Collection method: clinical testing. Allele origin: germline.
Comment: This sequence change replaces proline, which is neutral and non-polar, with leucine, which is neutral and non-polar, at codon 509 of the CHEK2 protein (p.Pro509Leu). This variant is present in population databases (rs587782541, gnomAD 0.06%). This missense change has been observed in individual(s) with personal or family history of hereditary breast and ovarian cancer and/or prostate cancer (PMID: 18571837, 31742824). ClinVar contains an entry for this variant (Variation ID: 142554). An algorithm developed to predict the effect of missense changes on protein structure and function outputs the following: PolyPhen-2: "Benign". The leucine amino acid residue is found in multiple mammalian species, which suggests that this missense change does not adversely affect protein function. Experimental studies are conflicting or provide insufficient evidence to determine the effect of this variant on CHEK2 function (PMID: 30851065). In summary, the available evidence is currently insufficient to determine the role of this variant in disease. Therefore, it has been classified as a Variant of Uncertain Significance.

Ambry Genetics
Classification: Likely benign for Hereditary cancer-predisposing syndrome. Last evaluated: 2025-07-15. Review status: criteria provided, single submitter. Criteria: Ambry Variant Classification Scheme 2023. Collection method: clinical testing. Allele origin: germline.

Blueprint Genetics
Classification: Uncertain significance. Last evaluated: 2024-09-18. Review status: criteria provided, single submitter. Criteria: ACMG Guidelines, 2015. Collection method: clinical testing. Allele origin: germline.

Baylor Genetics
Classification: Uncertain significance for Familial cancer of breast. Last evaluated: 2023-09-29. Review status: criteria provided, single submitter. Criteria: ACMG Guidelines, 2015. Collection method: clinical testing. Allele origin: unknown.

Quest Diagnostics Nichols Institute San Juan Capistrano
Classification: Uncertain significance. Last evaluated: 2023-07-03. Review status: criteria provided, single submitter. Criteria: Quest Diagnostics criteria. Collection method: clinical testing. Allele origin: unknown.
Comment: In the published literature, this variant has been reported in individuals with prostate cancer (PMID: 18571837 (2008)), breast cancer (PMID: 28779002 (2017), 33471991 (2021), see also LOVD), and suspected hereditary breast and ovarian cancer syndrome (HBOC) (PMID: 31742824 (2020)). This variant has also been reported in unaffected individuals (PMID: 28779002 (2017), 33471991 (2021), see also LOVD). A functional study reported this variant had an intermediate effect on protein function in an in vivo assay (PMID: 30851065 (2019)). The frequency of this variant in the general population, 0.00059 (6/10150 chromosomes (Genome Aggregation Database)), is uninformative in the assessment of its pathogenicity. Analysis of this variant using bioinformatics tools for the prediction of the effect of amino acid changes on protein structure and function yielded predictions that this variant is benign. Based on the available information, we are unable to determine the clinical significance of this variant.

Women's Health and Genetics/Laboratory Corporation of America, LabCorp
Classification: Uncertain significance. Last evaluated: 2023-02-27. Review status: criteria provided, single submitter. Criteria: LabCorp Variant Classification Summary - May 2015. Collection method: clinical testing. Allele origin: germline.
Comment: Variant summary: CHEK2 c.1526C>T (p.Pro509Leu) results in a non-conservative amino acid change in the encoded protein sequence. Four of five in-silico tools predict a benign effect of the variant on protein function. The variant allele was found at a frequency of 2.1e-05 in 233646 control chromosomes (gnomAD). The available data on variant occurrences in the general population are insufficient to allow any conclusion about variant significance. c.1526C>T has been reported in the literature in at least one individuals affected with prostate cancer and in at least one individual undergoing multigene panel testing for a clinical suspicion of hereditary breast and ovarian cancer syndrome (e.g.Tischkowitz_2008, Shao_2019). These reports do not provide unequivocal conclusions about association of the variant with Hereditary Breast And Ovarian Cancer Syndrome. A study evaluating the impact of the variant on protein function using an in vivo yeast-based functional assay found the variant to have intermmediate function compared to the WT protein and the negative control (Delimitsou_2019). Six clinical diagnostic laboratories have submitted clinical-significance assessments for this variant to ClinVar after 2014 and classified the variant as VUS (n=5) or likely benign (n=1). Based on the evidence outlined above, the variant was classified as uncertain significance.

Institute for Biomarker Research, Medical Diagnostic Laboratories, L.L.C.
Classification: Uncertain significance for Hereditary cancer-predisposing syndrome. Last evaluated: 2023-02-14. Review status: criteria provided, single submitter. Criteria: ACMG Guidelines, 2015. Collection method: clinical testing. Allele origin: germline.

GeneDx
Classification: Uncertain significance. Last evaluated: 2023-01-11. Review status: criteria provided, single submitter. Criteria: GeneDx Variant Classification Process June 2021. Collection method: clinical testing. Allele origin: germline. Affected: yes.
Comment: Observed in individuals with breast or prostate cancer (Tischkowitz et al., 2008; Decker et al., 2017); Published functional studies are inconclusive: intermediate impact on cell growth after DNA damage (Delimitsou et al., 2019); Not observed at significant frequency in large population cohorts (gnomAD); In silico analysis supports that this missense variant has a deleterious effect on protein structure/function; This variant is associated with the following publications: (PMID: 30851065, 31742824, 28779002, 18571837)

Department of Pathology and Laboratory Medicine, Sinai Health System
Classification: Uncertain significance for CHEK2-related cancer predisposition. Last evaluated: 2022-04-08. Review status: criteria provided, single submitter. Criteria: ACMG Guidelines, 2015. Collection method: clinical testing. Allele origin: germline. Affected: yes.

Color Diagnostics, LLC DBA Color Health
Classification: Likely benign for Hereditary cancer-predisposing syndrome. Last evaluated: 2016-03-06. Review status: criteria provided, single submitter. Criteria: ACMG Guidelines, 2015. Collection method: clinical testing. Allele origin: germline.

Counsyl
Classification: Uncertain significance for Familial cancer of breast. Last evaluated: 2017-12-11. Review status: no assertion criteria provided. Collection method: clinical testing. Allele origin: unknown. Not counted in ClinVar's aggregate classification.

Literature cited by the submitters: PubMed 18571837 (cited by 5 submitters); PubMed 31742824 (cited by 4 submitters); PubMed 30851065 (cited by 5 submitters); PubMed 28779002 (cited by Ambry Genetics and Quest Diagnostics Nichols Institute San Juan Capistrano); PubMed 33471991 (cited by Quest Diagnostics Nichols Institute San Juan Capistrano).

NM_007194.4(CHEK2):c.1526C>T (p.Pro509Leu)

Gene: CHEK2 (checkpoint kinase 2; minus strand). Cytogenetic location: 22q12.1.
Variant type: single nucleotide variant.
Coding change: c.1526C>T on transcript NM_007194.4 (MANE Select); coding-DNA position 1526, C replaced by T.
Protein change: p.Pro509Leu; replaces proline 509 with leucine.
Molecular consequence: missense variant.
Genome position (GRCh38, 1-based): chr22:28,689,151, G>A on the plus strand (C>T on the coding strand, the complement: CHEK2 is on the minus strand). VCF-style: chr22-28689151-G-A. GRCh37 (hg19) VCF-style: chr22-29085139-G-A.
Other names: p.P509L:CCC>CTC; c.1655C>T, p.Pro552Leu (NM_001005735.3); c.863C>T, p.Pro288Leu (NM_001257387.3); c.1325C>T, p.Pro442Leu (NM_001349956.3); c.1439C>T, p.Pro480Leu (NM_145862.3); short protein forms P509L, P442L, P288L, P480L, P552L.
Identifiers: ClinVar variation 142554 (VCV000142554.32), dbSNP rs587782541, ClinGen allele CA294442.